The following is an entry in ClinVar:

NM_003476.5(CSRP3):c.43A>G (p.Lys15Glu)

Gene: CSRP3 (cysteine and glycine rich protein 3; minus strand). Cytogenetic location: 11p15.1.
Variant type: single nucleotide variant.
Coding change: c.43A>G on transcript NM_003476.5 (MANE Select); coding-DNA position 43, A replaced by G.
Protein change: p.Lys15Glu; replaces lysine 15 with glutamic acid.
Molecular consequence: missense variant.
Genome position (GRCh38, 1-based): chr11:19,192,406, T>C on the plus strand (A>G on the coding strand, the complement: CSRP3 is on the minus strand). VCF-style: chr11-19192406-T-C. GRCh37 (hg19) VCF-style: chr11-19213953-T-C.
Other names: c.43A>G, p.Lys15Glu (NM_001127656.1, NM_001369404.1); short protein forms K15E.
Identifiers: ClinVar variation 2200413 (VCV002200413.6), dbSNP rs992234249, ClinGen allele CA218634859.

ClinVar aggregate classification (germline): Uncertain significance. Review status: criteria provided, multiple submitters, no conflicts (2 of 4 stars). 2 submissions from 2 submitters: Uncertain significance (2). Last evaluated 2026-06-23.

Conditions:
Dilated cardiomyopathy 1M (CMD1M). Identifiers: Orphanet 154, MedGen C1843808, MONDO:0011840, OMIM 607482.
Hypertrophic cardiomyopathy 12. Identifiers: MedGen C2677491, MONDO:0012804, OMIM 612124.
Cardiovascular phenotype. Identifiers: MedGen CN230736.

Allele frequency attached by ClinVar (database versions not stated): gnomAD exomes below 0.00001; gnomAD 0.00001; TOPMed 0.00002.
gnomAD v4.1: 4 of 1,614,094 alleles (0.00025%); highest among the groups gnomAD compares: Admixed American, 0.0017%; no homozygotes.

Submissions (2):

Ambry Genetics
Classification: Uncertain significance for Cardiovascular phenotype. Last evaluated: 2026-06-23. Review status: criteria provided, single submitter. Criteria: Ambry Variant Classification Scheme 2023. Collection method: clinical testing. Allele origin: germline.

Labcorp Genetics (formerly Invitae), Labcorp
Classification: Uncertain significance for Hypertrophic cardiomyopathy 12; Dilated cardiomyopathy 1M. Last evaluated: 2025-02-27. Review status: criteria provided, single submitter. Criteria: Invitae Variant Classification Sherloc (09022015). Collection method: clinical testing. Allele origin: germline.
Comment: This sequence change replaces lysine, which is basic and polar, with glutamic acid, which is acidic and polar, at codon 15 of the CSRP3 protein (p.Lys15Glu). This variant is not present in population databases (gnomAD no frequency). This variant has not been reported in the literature in individuals affected with CSRP3-related conditions. ClinVar contains an entry for this variant (Variation ID: 2200413). An algorithm developed to predict the effect of missense changes on protein structure and function (PolyPhen-2) suggests that this variant is likely to be tolerated. In summary, the available evidence is currently insufficient to determine the role of this variant in disease. Therefore, it has been classified as a Variant of Uncertain Significance.